The following is an entry in ClinVar:

NM_014263.4(YME1L1):c.168+1417C>T

Gene: YME1L1 (YME1 like 1 ATPase; minus strand). Cytogenetic location: 10p12.1.
Variant type: single nucleotide variant.
Coding change: c.168+1417C>T on transcript NM_014263.4 (MANE Select); 1417 bases into the intron after coding-DNA position 168, C replaced by T.
Molecular consequence: intron variant.
Genome position (GRCh38, 1-based): chr10:27,147,489, G>A on the plus strand (C>T on the coding strand, the complement: YME1L1 is on the minus strand). VCF-style: chr10-27147489-G-A. GRCh37 (hg19) VCF-style: chr10-27436418-G-A.
Other names: c.168+1417C>T (NM_001253866.2); c.339+9C>T (NM_139312.3, NM_139312.2).
Identifiers: ClinVar variation 1986186 (VCV001986186.6), dbSNP rs201546593, ClinGen allele CA5449699.
Genomic context (GRCh38, chr10:27,147,489, plus strand): 5'-AGCCGTGACTAAGAACGATGGACAAAACAAATCATAGACAATAGGCATTTGGAGAAACCC[G>A]CAGTGTACAGGGATTGAGAGGGAGAAGGGTTCTGGACGGATGTGCCAGTTATCGGTTGTG-3'

ClinVar aggregate classification (germline): Uncertain significance. Review status: criteria provided, single submitter (1 of 4 stars). 2 submissions from 2 submitters: Uncertain significance (1). 1 of the submissions does not count toward it. Last evaluated 2023-01-10.

Conditions:
YME1L1-related disorder. Also called: YME1L1-related condition.

Allele frequency attached by ClinVar (database versions not stated): gnomAD 0.00001; gnomAD exomes 0.00002; TOPMed 0.00002; ExAC 0.00003; ESP Exome Variant Server 0.00008.
gnomAD v4.1: 37 of 1,613,898 alleles (0.0023%); highest among the groups gnomAD compares: South Asian, 0.0066%; 1 homozygote.

Submissions (2):

Labcorp Genetics (formerly Invitae), Labcorp
Classification: Uncertain significance. Last evaluated: 2023-01-10. Review status: criteria provided, single submitter. Criteria: Invitae Variant Classification Sherloc (09022015). Collection method: clinical testing. Allele origin: germline.
Comment: In summary, the available evidence is currently insufficient to determine the role of this variant in disease. Therefore, it has been classified as a Variant of Uncertain Significance. Algorithms developed to predict the effect of sequence changes on RNA splicing suggest that this variant may create or strengthen a splice site. This variant has not been reported in the literature in individuals affected with YME1L1-related conditions. This variant is present in population databases (rs201546593, gnomAD 0.01%). This sequence change falls in intron 3 of the YME1L1 gene. It does not directly change the encoded amino acid sequence of the YME1L1 protein.

PreventionGenetics, part of Exact Sciences
Classification: Likely benign for YME1L1-related condition. Last evaluated: 2019-07-23. Review status: no assertion criteria provided. Collection method: clinical testing. Allele origin: germline. Not counted in ClinVar's aggregate classification.
Comment: This variant is classified as likely benign based on ACMG/AMP sequence variant interpretation guidelines (Richards et al. 2015 PMID: 25741868, with internal and published modifications).